The following is an entry in ClinVar:

NM_024675.4(PALB2):c.368A>G (p.Asp123Gly)

Gene: PALB2 (partner and localizer of BRCA2; minus strand). Cytogenetic location: 16p12.2.
Variant type: single nucleotide variant.
Coding change: c.368A>G on transcript NM_024675.4 (MANE Select); coding-DNA position 368, A replaced by G.
Protein change: p.Asp123Gly; replaces aspartic acid 123 with glycine.
Molecular consequence: missense variant. On other transcripts: 5 prime UTR variant (8), intron variant (3).
Genome position (GRCh38, 1-based): chr16:23,636,178, T>C on the plus strand (A>G on the coding strand, the complement: PALB2 is on the minus strand). VCF-style: chr16-23636178-T-C. GRCh37 (hg19) VCF-style: chr16-23647499-T-C.
Other names: c.308A>G, p.Asp103Gly (NM_001407296.1); c.368A>G, p.Asp123Gly (NM_001407297.1, NM_001407298.1, NM_001407299.1 and 3 more transcripts); c.-518A>G (NM_001407304.1, NM_001407305.1, NM_001407306.1 and 5 more transcripts); c.48+4932A>G (NM_001407314.1); c.-105+4932A>G (NM_001407313.1, NM_001407312.1); short protein forms D103G, D123G.
Identifiers: ClinVar variation 3721358 (VCV003721358.2).
Genomic context (GRCh38, chr16:23,636,178, plus strand): 5'-AGCTTCTGCTTTTGCTCACCACTAGGGTCACTGACCCTGTGGGGAAAATGTTCTTGGGTG[T>C]CATCTGTTCTTTGTATAGGTAATCCTCCTGGGCCATCTCCAGGGTTAAAGGACTCAGGCC-3'
Protein context (NP_078951.2, residues 113-133): PGGLPIQRTD[Asp123Gly]TQEHFPHRVS

ClinVar aggregate classification (germline): Uncertain significance (1 of 4 stars; one submission).

Conditions:
Familial cancer of breast. Also called: BREAST CANCER, FAMILIAL; Hereditary breast cancer; hereditary breast carcinoma. Identifiers: Orphanet 227535, MedGen C0346153, MONDO:0016419, OMIM 114480. Disease mechanism: loss of function.

Submission:

Labcorp Genetics (formerly Invitae), Labcorp
Classification: Uncertain significance for Familial cancer of breast. Last evaluated: 2024-09-23. Review status: criteria provided, single submitter. Criteria: Invitae Variant Classification Sherloc (09022015). Collection method: clinical testing. Allele origin: germline.
Comment: This sequence change replaces aspartic acid, which is acidic and polar, with glycine, which is neutral and non-polar, at codon 123 of the PALB2 protein (p.Asp123Gly). This variant is not present in population databases (gnomAD no frequency). This variant has not been reported in the literature in individuals affected with PALB2-related conditions. An algorithm developed to predict the effect of missense changes on protein structure and function outputs the following: PolyPhen-2: "Benign". The glycine amino acid residue is found in multiple mammalian species, which suggests that this missense change does not adversely affect protein function. In summary, the available evidence is currently insufficient to determine the role of this variant in disease. Therefore, it has been classified as a Variant of Uncertain Significance.